The following is an entry in ClinVar:

NM_182493.3(MYLK3):c.2157G>C (p.Glu719Asp)

Gene: MYLK3 (myosin light chain kinase 3; minus strand). Cytogenetic location: 16q11.2.
Variant type: single nucleotide variant.
Coding change: c.2157G>C on transcript NM_182493.3 (MANE Select); coding-DNA position 2157, G replaced by C.
Protein change: p.Glu719Asp; replaces glutamic acid 719 with aspartic acid.
Molecular consequence: missense variant.
Genome position (GRCh38, 1-based): chr16:46,710,747, C>G on the plus strand (G>C on the coding strand, the complement: MYLK3 is on the minus strand). VCF-style: chr16-46710747-C-G. GRCh37 (hg19) VCF-style: chr16-46744659-C-G.
Other names: c.1134G>C, p.Glu378Asp (NM_001308301.1); short protein forms E378D, E719D.
Identifiers: ClinVar variation 4775445 (VCV004775445.1).

ClinVar aggregate classification (germline): Uncertain significance (1 of 4 stars; one submission).

Submission:

Labcorp Genetics (formerly Invitae), Labcorp
Classification: Uncertain significance. Last evaluated: 2025-04-27. Review status: criteria provided, single submitter. Criteria: Invitae Variant Classification Sherloc (09022015). Collection method: clinical testing. Allele origin: germline.
Comment: This sequence change replaces glutamic acid, which is acidic and polar, with aspartic acid, which is acidic and polar, at codon 719 of the MYLK3 protein (p.Glu719Asp). This variant is not present in population databases (gnomAD no frequency). This variant has not been reported in the literature in individuals affected with MYLK3-related conditions. An algorithm developed to predict the effect of missense changes on protein structure and function (PolyPhen-2) suggests that this variant is likely to be disruptive. In summary, the available evidence is currently insufficient to determine the role of this variant in disease. Therefore, it has been classified as a Variant of Uncertain Significance.